The following is an entry in ClinVar:

ClinVar aggregate classification (germline): Uncertain significance. Review status: criteria provided, multiple submitters, no conflicts (2 of 4 stars). 2 submissions from 2 submitters: Uncertain significance (2). Last evaluated 2024-12-22.

Conditions:
Fanconi anemia complementation group J. Also called: BRIP1-Related Fanconi Anemia. Identifiers: Orphanet 84, MedGen C1836860, MONDO:0012187, OMIM 609054.
Familial cancer of breast. Also called: hereditary breast carcinoma; Hereditary breast cancer; BREAST CANCER, FAMILIAL. Identifiers: Orphanet 227535, MedGen C0346153, MONDO:0016419, OMIM 114480. Disease mechanism: loss of function.
Hereditary cancer-predisposing syndrome. Also called: Neoplastic Syndromes, Hereditary; Hereditary neoplastic syndrome; Hereditary Cancer Syndrome; Tumor predisposition. Identifiers: Orphanet 140162, MedGen C0027672, MeSH D009386, MONDO:0015356.

gnomAD v4.1: 1 of 1,613,590 alleles (0.000062%); no homozygotes.

Submissions (2):

Labcorp Genetics (formerly Invitae), Labcorp
Classification: Uncertain significance for Familial cancer of breast; Fanconi anemia complementation group J. Last evaluated: 2024-12-22. Review status: criteria provided, single submitter. Criteria: Invitae Variant Classification Sherloc (09022015). Collection method: clinical testing. Allele origin: germline.
Comment: This sequence change replaces lysine, which is basic and polar, with arginine, which is basic and polar, at codon 158 of the BRIP1 protein (p.Lys158Arg). RNA analysis indicates that this missense change induces altered splicing and may result in an absent or altered protein product. This variant is not present in population databases (gnomAD no frequency). This variant has not been reported in the literature in individuals affected with BRIP1-related conditions. ClinVar contains an entry for this variant (Variation ID: 658080). Invitae Evidence Modeling of protein sequence and biophysical properties (such as structural, functional, and spatial information, amino acid conservation, physicochemical variation, residue mobility, and thermodynamic stability) indicates that this missense variant is not expected to disrupt BRIP1 protein function with a negative predictive value of 95%. Studies have shown that this missense change results in skipping of exon 5, and produces a non-functional protein and/or introduces a premature termination codon (internal data). In summary, the available evidence is currently insufficient to determine the role of this variant in disease. Therefore, it has been classified as a Variant of Uncertain Significance.

Ambry Genetics
Classification: Uncertain significance for Hereditary cancer-predisposing syndrome. Last evaluated: 2021-11-22. Review status: criteria provided, single submitter. Criteria: Ambry Variant Classification Scheme 2023. Collection method: clinical testing. Allele origin: germline.
Comment: The p.K158R variant (also known as c.473A>G), located in coding exon 4 of the BRIP1 gene, results from an A to G substitution at nucleotide position 473. The lysine at codon 158 is replaced by arginine, an amino acid with highly similar properties. This amino acid position is conserved. In addition, this alteration is predicted to be tolerated by in silico analysis. Since supporting evidence is limited at this time, the clinical significance of this alteration remains unclear.

NM_032043.3(BRIP1):c.473A>G (p.Lys158Arg)

Gene: BRIP1 (BRCA1 interacting DNA helicase 1; minus strand). Cytogenetic location: 17q23.2.
Variant type: single nucleotide variant.
Coding change: c.473A>G on transcript NM_032043.3 (MANE Select); coding-DNA position 473, A replaced by G.
Protein change: p.Lys158Arg; replaces lysine 158 with arginine.
Molecular consequence: missense variant.
Genome position (GRCh38, 1-based): chr17:61,849,163, T>C on the plus strand (A>G on the coding strand, the complement: BRIP1 is on the minus strand). VCF-style: chr17-61849163-T-C. GRCh37 (hg19) VCF-style: chr17-59926524-T-C.
Other names: short protein forms K158R.
Identifiers: ClinVar variation 658080 (VCV000658080.14), dbSNP rs769364081, ClinGen allele CA400484414.